The following is an entry in ClinVar:

NM_001047160.3(NET1):c.1773G>C (p.Arg591=)

Gene: NET1 (neuroepithelial cell transforming 1; plus strand). Cytogenetic location: 10p15.1.
Variant type: single nucleotide variant.
Coding change: c.1773G>C on transcript NM_001047160.3 (MANE Select); coding-DNA position 1773, G replaced by C.
Protein change: p.Arg591=; no amino-acid change (arginine 591 retained).
Molecular consequence: synonymous variant. On other transcripts: non-coding transcript variant (1).
Genome position (GRCh38, 1-based): chr10:5,456,976, G>C. VCF-style: chr10-5456976-G-C. GRCh37 (hg19) VCF-style: chr10-5498939-G-C.
Other names: c.1611G>C, p.Arg537= (NM_005863.5).
Identifiers: ClinVar variation 2640289 (VCV002640289.24), dbSNP rs143945336, ClinGen allele CA5392757.

ClinVar aggregate classification (germline): Likely benign (1 of 4 stars; one submission).

Allele frequency attached by ClinVar (database versions not stated): gnomAD exomes 0.00005; ExAC 0.00029; 1000 Genomes Project 30x 0.00031; 1000 Genomes Project 0.00040; ESP Exome Variant Server 0.00123.
gnomAD v4.1: 157 of 1,564,162 alleles (0.01%); highest among the groups gnomAD compares: African/African-American, 0.19%; 1 homozygote.

Submission:

CeGaT Center for Human Genetics Tuebingen
Classification: Likely benign. Last evaluated: 2022-09-01. Review status: criteria provided, single submitter. Criteria: CeGaT Center For Human Genetics Tuebingen Variant Classification Criteria Version 2. Collection method: clinical testing. Allele origin: germline. Affected: yes. Observed: 1 variant allele.
Comment: NET1: BP4